The following is an entry in ClinVar:

NM_181486.4(TBX5):c.529del (p.His177fs)

Gene: TBX5 (T-box transcription factor 5; minus strand). Cytogenetic location: 12q24.21.
Variant type: Deletion.
Coding change: c.529del on transcript NM_181486.4 (MANE Select); coding-DNA position 529, one base deleted (C; older notation c.529delC).
Protein change: p.His177fs; shifts the reading frame from histidine 177.
Molecular consequence: frameshift variant.
Genome position (GRCh38, 1-based): chr12:114,394,875, G deleted on the plus strand (C on the coding strand, the reverse complement: TBX5 is on the minus strand). VCF-style (leftmost placement, unchanged base first): chr12-114394874-TG-T. GRCh37 (hg19) VCF-style: chr12-114832679-TG-T.
Other names: c.529del, p.His177fs (NM_000192.3); c.379del, p.His127fs (NM_080717.4); c.529delC (NM_000192.3); short protein forms H127fs, H177fs.
Identifiers: ClinVar variation 2691618 (VCV002691618.1), dbSNP rs2540467152, ClinGen allele CA2697551539.

ClinVar aggregate classification (germline): Pathogenic (1 of 4 stars; one submission).

Conditions:
Holt-Oram syndrome (HOS). Also called: TBX5-Related Holt-Oram Syndrome; Ventriculo-radial syndrome; Cardiac-limb syndrome; Heart-hand syndrome, type 1. Identifiers: Orphanet 392, MedGen C0265264, MONDO:0007732, OMIM 142900.

Submission:

Women's Health and Genetics/Laboratory Corporation of America, LabCorp
Classification: Pathogenic for Holt-Oram syndrome. Last evaluated: 2023-12-12. Review status: criteria provided, single submitter. Criteria: LabCorp Variant Classification Summary - May 2015. Collection method: clinical testing. Allele origin: germline.
Comment: Variant summary: TBX5 c.529delC (p.His177ThrfsX10) results in a premature termination codon, predicted to cause a truncation of the encoded protein or absence of the protein due to nonsense mediated decay, which are commonly known mechanisms for disease. The variant was absent in 251440 control chromosomes. To our knowledge, no occurrence of c.529delC in individuals affected with Holt-Oram Syndrome and no experimental evidence demonstrating its impact on protein function have been reported. No submitters have cited clinical-significance assessments for this variant to ClinVar after 2014. Based on the evidence outlined above, the variant was classified as pathogenic.